The following is an entry in ClinVar:

ClinVar aggregate classification (germline): Uncertain significance (1 of 4 stars; one submission).

Submission:

GeneDx
Classification: Uncertain significance. Last evaluated: 2022-04-11. Review status: criteria provided, single submitter. Criteria: GeneDx Variant Classification Process June 2021. Collection method: clinical testing. Allele origin: germline. Affected: yes.
Comment: In silico analysis supports that this variant does not alter protein structure/function; Has not been previously published as pathogenic or benign to our knowledge; Not observed at significant frequency in large population cohorts (gnomAD)

NM_032208.3(ANTXR1):c.1603_1604delinsGT (p.Ser535Val)

Gene: ANTXR1 (ANTXR cell adhesion molecule 1; plus strand). Cytogenetic location: 2p13.3.
Variant type: Indel.
Coding change: c.1603_1604delinsGT on transcript NM_032208.3 (MANE Select); coding-DNA positions 1603 to 1604, TC replaced by GT.
Protein change: p.Ser535Val; replaces serine 535 with valine.
Molecular consequence: missense variant.
Genome position (GRCh38, 1-based): chr2:69,245,393-69,245,394, TC replaced by GT. VCF-style: chr2-69245393-TC-GT. GRCh37 (hg19) VCF-style: chr2-69472525-TC-GT.
Other names: short protein forms S535V.
Identifiers: ClinVar variation 1710640 (VCV001710640.2), dbSNP rs2465887839, ClinGen allele CA2580067654.